The following is an entry in ClinVar:

ClinVar aggregate classification (germline): Pathogenic/Likely pathogenic. Review status: criteria provided, multiple submitters, no conflicts (2 of 4 stars). 4 submissions from 4 submitters: Pathogenic (1); Likely pathogenic (3). Last evaluated 2025-11-19.

Conditions:
Autosomal recessive polycystic kidney disease (ARPKD). Also called: AR polycystic kidney disease. Identifiers: Orphanet 731, Orphanet 8378, MedGen C0085548, MeSH D017044, MONDO:0009889.
Polycystic kidney disease 4 (PKD4). Also called: PKD3; Autosomal Recessive Polycystic Kidney Disease – PKHD1; POLYCYSTIC KIDNEY DISEASE 4 WITH OR WITHOUT POLYCYSTIC LIVER DISEASE; POLYCYSTIC KIDNEY AND HEPATIC DISEASE 1; POLYCYSTIC KIDNEY DISEASE, INFANTILE, TYPE I. Identifiers: MedGen C4540575, MONDO:0033004, OMIM 263200.

Allele frequency attached by ClinVar (database versions not stated): gnomAD 0.00001.

Submissions (4):

Labcorp Genetics (formerly Invitae), Labcorp
Classification: Likely pathogenic for Autosomal recessive polycystic kidney disease. Last evaluated: 2025-11-19. Review status: criteria provided, single submitter. Criteria: Invitae Variant Classification Sherloc (09022015). Collection method: clinical testing. Allele origin: germline.
Comment: This sequence change affects a donor splice site in intron 54 of the PKHD1 gene. It is expected to disrupt RNA splicing. Variants that disrupt the donor or acceptor splice site typically lead to a loss of protein function (PMID: 16199547), and loss-of-function variants in PKHD1 are known to be pathogenic (PMID: 19940839). This variant is not present in population databases (gnomAD no frequency). Disruption of this splice site has been observed in individual(s) with polycystic kidney disease (PMID: 27225849). ClinVar contains an entry for this variant (Variation ID: 1323461). Algorithms developed to predict the effect of sequence changes on RNA splicing suggest that this variant may disrupt the consensus splice site. In summary, the currently available evidence indicates that the variant is pathogenic, but additional data are needed to prove that conclusively. Therefore, this variant has been classified as Likely Pathogenic.

Natera, Inc.
Classification: Likely pathogenic for Autosomal recessive polycystic kidney disease. Last evaluated: 2025-11-18. Review status: criteria provided, single submitter. Criteria: Natera Variant Classification Schema (03/2026). Collection method: clinical testing. Allele origin: germline.
Comment: The c.8554+1G>A variant in PKHD1 is a canonical splice donor site variant predicted to affect pre-mRNA splicing, which may result in an abnormal transcript and altered protein product. This variant is expected to result in nonsense mediated decay, truncation, or a dysfunctional protein product. This variant is rare in the general population with a frequency below the threshold expected for the associated phenotype(s). Given the available evidence, this variant is classified as Likely Pathogenic.

Women's Health and Genetics/Laboratory Corporation of America, LabCorp
Classification: Likely pathogenic for Autosomal recessive polycystic kidney disease. Last evaluated: 2023-04-06. Review status: criteria provided, single submitter. Criteria: LabCorp Variant Classification Summary - May 2015. Collection method: clinical testing. Allele origin: germline.
Comment: Variant summary: PKHD1 c.8554+1G>A is located in a canonical splice-site and is predicted to affect mRNA splicing resulting in a significantly altered protein due to either exon skipping, shortening, or inclusion of intronic material. Several computational tools predict a significant impact on normal splicing: Three predict the variant abolishes a 5' splicing donor site. However, these predictions have yet to be confirmed by functional studies. The variant was absent in 248318 control chromosomes. c.8554+1G>A has been reported in the literature in at least one individual affected with Autosomal Recessive Polycystic Kidney Disease (e.g., Melchionda_2016). These data do not allow any conclusion about variant significance. To our knowledge, no experimental evidence demonstrating an impact on protein function has been reported. Two ClinVar submitters (evaluation after 2014) have cited the variant, and both laboratories classified the variant as pathogenic/likely pathogenic. Based on the evidence outlined above, the variant was classified as likely pathogenic.

Revvity Omics, Revvity
Classification: Pathogenic for Polycystic kidney disease 4. Last evaluated: 2020-02-25. Review status: criteria provided, single submitter. Criteria: ACMG Guidelines, 2015. Collection method: clinical testing. Allele origin: germline.

Literature cited by the submitters: PubMed 16199547 (cited by Labcorp Genetics (formerly Invitae), Labcorp); PubMed 19940839 (cited by Labcorp Genetics (formerly Invitae), Labcorp); PubMed 27225849 (cited by Labcorp Genetics (formerly Invitae), Labcorp and Women's Health and Genetics/Laboratory Corporation of America, LabCorp).

NM_138694.4(PKHD1):c.8554+1G>A

Gene: PKHD1 (PKHD1 ciliary IPT domain containing fibrocystin/polyductin; minus strand). Cytogenetic location: 6p12.3.
Variant type: single nucleotide variant.
Coding change: c.8554+1G>A on transcript NM_138694.4 (MANE Select); the canonical splice donor site of the intron after coding-DNA position 8554, G replaced by A.
Molecular consequence: splice donor variant.
Genome position (GRCh38, 1-based): chr6:51,775,807, C>T on the plus strand (G>A on the coding strand, the complement: PKHD1 is on the minus strand). VCF-style: chr6-51775807-C-T. GRCh37 (hg19) VCF-style: chr6-51640605-C-T.
Other names: c.8554+1G>A (NM_170724.3).
Identifiers: ClinVar variation 1323461 (VCV001323461.12), dbSNP rs1790925351, ClinGen allele CA364437619.